The following is an entry in ClinVar:

ClinVar aggregate classification (germline): Uncertain significance. Review status: criteria provided, multiple submitters, no conflicts (2 of 4 stars). 3 submissions from 3 submitters: Uncertain significance (3). Last evaluated 2023-07-04.

Conditions:
Autosomal recessive nonsyndromic hearing loss 77. Identifiers: Orphanet 90636, MedGen C2746083, MONDO:0013119, OMIM 613079.

Allele frequency attached by ClinVar (database versions not stated): gnomAD exomes 0.00002 and 0.00003; TOPMed 0.00003; gnomAD 0.00004 and 0.00005; ExAC 0.00009.
gnomAD v4.1: 35 of 1,552,066 alleles (0.0023%); highest among the groups gnomAD compares: East Asian, 0.015%; no homozygotes.

Submissions (3):

Blueprint Genetics
Classification: Uncertain significance. Last evaluated: 2023-07-04. Review status: criteria provided, single submitter. Criteria: ACMG Guidelines, 2015. Collection method: clinical testing. Allele origin: germline.

Labcorp Genetics (formerly Invitae), Labcorp
Classification: Uncertain significance. Last evaluated: 2022-07-13. Review status: criteria provided, single submitter. Criteria: Invitae Variant Classification Sherloc (09022015). Collection method: clinical testing. Allele origin: germline.
Comment: This sequence change replaces threonine, which is neutral and polar, with alanine, which is neutral and non-polar, at codon 743 of the LOXHD1 protein (p.Thr743Ala). This variant is present in population databases (rs759325484, gnomAD 0.008%). This variant has not been reported in the literature in individuals affected with LOXHD1-related conditions. ClinVar contains an entry for this variant (Variation ID: 326864). Algorithms developed to predict the effect of missense changes on protein structure and function are either unavailable or do not agree on the potential impact of this missense change (SIFT: "Deleterious"; PolyPhen-2: "Benign"; Align-GVGD: "Class C0"). In summary, the available evidence is currently insufficient to determine the role of this variant in disease. Therefore, it has been classified as a Variant of Uncertain Significance.

Illumina Laboratory Services, Illumina
Classification: Uncertain significance for Autosomal recessive nonsyndromic hearing loss 77. Last evaluated: 2018-01-13. Review status: criteria provided, single submitter. Criteria: ICSL Variant Classification Criteria 13 December 2019. Collection method: clinical testing. Allele origin: germline.

NM_001384474.1(LOXHD1):c.2227A>G (p.Thr743Ala)

Gene: LOXHD1 (lipoxygenase homology PLAT domains 1; minus strand). Cytogenetic location: 18q21.1.
Variant type: single nucleotide variant.
Coding change: c.2227A>G on transcript NM_001384474.1 (MANE Select); coding-DNA position 2227, A replaced by G.
Protein change: p.Thr743Ala; replaces threonine 743 with alanine.
Molecular consequence: missense variant.
Genome position (GRCh38, 1-based): chr18:46,569,459, T>C on the plus strand (A>G on the coding strand, the complement: LOXHD1 is on the minus strand). VCF-style: chr18-46569459-T-C. GRCh37 (hg19) VCF-style: chr18-44149422-T-C.
Other names: c.2227A>G, p.Thr743Ala (NM_144612.7); short protein forms T743A.
Identifiers: ClinVar variation 326864 (VCV000326864.7), dbSNP rs759325484, ClinGen allele CA8952701.